The following is an entry in ClinVar:

NM_198904.4(GABRG2):c.*348A>G

Gene: GABRG2 (gamma-aminobutyric acid type A receptor subunit gamma2; plus strand). Cytogenetic location: 5q34.
Variant type: single nucleotide variant.
Coding change: c.*348A>G on transcript NM_198904.4 (MANE Select); 348 bases downstream of the stop codon, A replaced by G.
Molecular consequence: 3 prime UTR variant.
Genome position (GRCh38, 1-based): chr5:162,153,716, A>G. VCF-style: chr5-162153716-A-G. GRCh37 (hg19) VCF-style: chr5-161580722-A-G.
Other names: c.*348A>G (NM_000816.3, NM_001375339.1, NM_001375341.1 and 10 more transcripts); c.*610A>G (NM_001375340.1).
Identifiers: ClinVar variation 905226 (VCV000905226.34), dbSNP rs192973258, ClinGen allele CA131117709.
Genomic context (GRCh38, chr5:162,153,716, plus strand): 5'-CAGTGAAAGCCCTGACTATTTACAGTAGTGGTATCCTTACTAGATTCATAATGCAATTAG[A>G]TAGAAAAGGTCCAAAACTGTACCCTATGTTCACTCCGGGTCAAGTTGTGATAAATTTGAT-3'

ClinVar aggregate classification (germline): Conflicting classifications of pathogenicity. Review status: criteria provided, conflicting classifications (1 of 4 stars). 2 submissions from 2 submitters: Uncertain significance (1); Likely benign (1). Last evaluated 2023-02-01.

Conditions:
EPILEPSY, CHILDHOOD ABSENCE, SUSCEPTIBILITY TO, 2 (ECA2). Identifiers: Orphanet 64280, MedGen C1843244, OMIM 607681.

Allele frequency attached by ClinVar (database versions not stated): 1000 Genomes Project 30x 0.00094; 1000 Genomes Project 0.00100; TOPMed 0.00272; gnomAD 0.00314 and 0.00328; gnomAD exomes 0.00351.
gnomAD v4.1: 1,193 of 357,822 alleles (0.33%); highest among the groups gnomAD compares: Non-Finnish European, 0.52%; 2 homozygotes.

Submissions (2):

CeGaT Center for Human Genetics Tuebingen
Classification: Likely benign. Last evaluated: 2023-02-01. Review status: criteria provided, single submitter. Criteria: CeGaT Center For Human Genetics Tuebingen Variant Classification Criteria Version 2. Collection method: clinical testing. Allele origin: germline. Affected: yes. Observed: 5 variant alleles.
Comment: GABRG2: BS1

Illumina Laboratory Services, Illumina
Classification: Uncertain significance for Febrile seizures, familial, 8. Last evaluated: 2018-01-12. Review status: criteria provided, single submitter. Criteria: ICSL Variant Classification Criteria 13 December 2019. Collection method: clinical testing. Allele origin: germline.